The following is an entry in ClinVar:

NM_052813.5(CARD9):c.1576A>G (p.Thr526Ala)

Gene: CARD9 (caspase recruitment domain family member 9; minus strand). Cytogenetic location: 9q34.3.
Variant type: single nucleotide variant.
Coding change: c.1576A>G on transcript NM_052813.5 (MANE Select); coding-DNA position 1576, A replaced by G.
Protein change: p.Thr526Ala; replaces threonine 526 with alanine.
Molecular consequence: missense variant. On other transcripts: intron variant (1).
Genome position (GRCh38, 1-based): chr9:136,364,337, T>C on the plus strand (A>G on the coding strand, the complement: CARD9 is on the minus strand). VCF-style: chr9-136364337-T-C. GRCh37 (hg19) VCF-style: chr9-139258789-T-C.
Other names: c.1442-175A>G (NM_052814.4); short protein forms T526A.
Identifiers: ClinVar variation 1517165 (VCV001517165.8), dbSNP rs2131430592, ClinGen allele CA375540721.
Genomic context (GRCh38, chr9:136,364,337, plus strand): 5'-CTGGTCGGGGCCTGCGCTGCTGCGGCTAGGAGCCCTCAGTGTCGGTGTTGTCGCTGCCCG[T>C]GGTGTTCTCCCGGTCCTCCTCCCCCTGCCGCCATCCTTTCTGCATCTTCCTGAGGGCGCG-3'
Protein context (NP_434700.2, residues 516-536): RQGEEDRENT[Thr526Ala]GSDNTDTEGS

ClinVar aggregate classification (germline): Uncertain significance (1 of 4 stars; one submission).

Conditions:
Predisposition to invasive fungal disease due to CARD9 deficiency (IMD103). Also called: CARD9 IMMUNODEFICIENCY; Candidiasis, familial, 2, autosomal recessive; IMMUNODEFICIENCY 103, SUSCEPTIBILITY TO FUNGAL INFECTIONS. Identifiers: Orphanet 457088, MedGen C1859353, MONDO:0008905, OMIM 212050.

Submission:

Labcorp Genetics (formerly Invitae), Labcorp
Classification: Uncertain significance for Predisposition to invasive fungal disease due to CARD9 deficiency. Last evaluated: 2024-02-24. Review status: criteria provided, single submitter. Criteria: Invitae Variant Classification Sherloc (09022015). Collection method: clinical testing. Allele origin: germline.
Comment: This sequence change replaces threonine, which is neutral and polar, with alanine, which is neutral and non-polar, at codon 526 of the CARD9 protein (p.Thr526Ala). This variant is not present in population databases (gnomAD no frequency). This variant has not been reported in the literature in individuals affected with CARD9-related conditions. ClinVar contains an entry for this variant (Variation ID: 1517165). An algorithm developed to predict the effect of missense changes on protein structure and function (PolyPhen-2) suggests that this variant is likely to be tolerated. In summary, the available evidence is currently insufficient to determine the role of this variant in disease. Therefore, it has been classified as a Variant of Uncertain Significance.